The following is an entry in ClinVar:

ClinVar aggregate classification (germline): Uncertain significance (1 of 4 stars; one submission).

Submission:

Labcorp Genetics (formerly Invitae), Labcorp
Classification: Uncertain significance. Last evaluated: 2023-08-17. Review status: criteria provided, single submitter. Criteria: Invitae Variant Classification Sherloc (09022015). Collection method: clinical testing. Allele origin: unknown.
Comment: A copy number gain of the genomic region encompassing the full coding sequence of the ATP1A1 gene has been identified. The boundaries of this event are unknown as they extend beyond the assayed region for this gene and therefore may encompass additional genes. As the precise location of this event is unknown, it may be in tandem or it may be located elsewhere in the genome. This variant has not been reported in the literature in individuals affected with ATP1A1-related conditions. In summary, the available evidence is currently insufficient to determine the role of this variant in disease. Therefore, it has been classified as a Variant of Uncertain Significance.

NC_000001.10:g.(?_116243862)_(116947066_?)dup

Genes: ATP1A1 (ATPase Na+/K+ transporting subunit alpha 1; plus strand), CASQ2 (calsequestrin 2; minus strand), LINC01649 (long intergenic non-protein coding RNA 1649; plus strand), MAB21L3 (mab-21 like 3; plus strand), NHLH2 (nescient helix-loop-helix 2; minus strand) and 1 more. Cytogenetic location: 1p13.1.
Variant type: Duplication.
Identifiers: ClinVar variation 3247900 (VCV003247900.1).